The following is an entry in ClinVar:

ClinVar aggregate classification (germline): Uncertain significance (1 of 4 stars; one submission).

Submission:

GeneDx
Classification: Uncertain significance. Last evaluated: 2025-03-06. Review status: criteria provided, single submitter. Criteria: GeneDx Variant Classification Process June 2021. Collection method: clinical testing. Allele origin: germline. Affected: yes.
Comment: Not observed at significant frequency in large population cohorts (gnomAD); In silico analysis supports that this missense variant has a deleterious effect on protein structure/function; Has not been previously published as pathogenic or benign to our knowledge

NM_001145809.2(MYH14):c.2626G>A (p.Val876Met)

Gene: MYH14 (myosin heavy chain 14; plus strand). Cytogenetic location: 19q13.33.
Variant type: single nucleotide variant.
Coding change: c.2626G>A on transcript NM_001145809.2 (MANE Select); coding-DNA position 2626, G replaced by A.
Protein change: p.Val876Met; replaces valine 876 with methionine.
Molecular consequence: missense variant.
Genome position (GRCh38, 1-based): chr19:50,263,352, G>A. VCF-style: chr19-50263352-G-A. GRCh37 (hg19) VCF-style: chr19-50766609-G-A.
Other names: c.2527G>A, p.Val843Met (NM_001077186.2); c.2503G>A, p.Val835Met (NM_024729.4); short protein forms V835M, V843M, V876M.
Identifiers: ClinVar variation 4082948 (VCV004082948.1).